The following is an entry in ClinVar:

NM_000548.5(TSC2):c.5133G>A (p.Val1711=)

Gene: TSC2 (TSC complex subunit 2; plus strand). Cytogenetic location: 16p13.3.
Variant type: single nucleotide variant.
Coding change: c.5133G>A on transcript NM_000548.5 (MANE Select); coding-DNA position 5133, G replaced by A.
Protein change: p.Val1711=; no amino-acid change (valine 1711 retained).
Molecular consequence: synonymous variant.
Genome position (GRCh38, 1-based): chr16:2,088,112, G>A. VCF-style: chr16-2088112-G-A. GRCh37 (hg19) VCF-style: chr16-2138113-G-A.
Other names: c.4932G>A, p.Val1644= (NM_001077183.3); c.5064G>A, p.Val1688= (NM_001114382.3); c.4824G>A, p.Val1608= (NM_001318827.2); c.4788G>A, p.Val1596= (NM_001318829.2); c.4401G>A, p.Val1467= (NM_001318831.2); c.4965G>A, p.Val1655= (NM_001318832.2); c.4935G>A, p.Val1645= (NM_001363528.2); c.5001G>A, p.Val1667= (NM_001370404.1); and 1 more.
Identifiers: ClinVar variation 663323 (VCV000663323.13), dbSNP rs1596457919, ClinGen allele CA493043672.
Genomic context (GRCh38, chr16:2,088,112, plus strand): 5'-GGAGGGCCTTGTGGACACCAGCGTGGCCAAGATCGTGTCTGACCGCAACCTGCCCTTCGT[G>A]GCCCGCCAGATGGCCCTGCACGCAAATGTGAGTGGGGGTGGGTCCAGGCGTGAGCTGGTG-3'
Protein context (NP_000539.2, residues 1701-1721): KIVSDRNLPF[Val1711=]ARQMALHANM

ClinVar aggregate classification (germline): Conflicting classifications of pathogenicity. Review status: criteria provided, conflicting classifications (1 of 4 stars). 4 submissions from 4 submitters: Uncertain significance (1); Likely benign (3). Last evaluated 2025-07-02.

Conditions:
Tuberous sclerosis syndrome (TSC). Also called: Tuberous Sclerosis Complex; Tuberous sclerosis. Identifiers: Orphanet 805, MedGen C0041341, MONDO:0001734.
Tuberous sclerosis 2 (TSC2). Identifiers: Orphanet 805, MedGen C1860707, MONDO:0013199, OMIM 613254.
Hereditary cancer-predisposing syndrome. Also called: Neoplastic Syndromes, Hereditary; Hereditary neoplastic syndrome; Tumor predisposition; Hereditary Cancer Syndrome. Identifiers: Orphanet 140162, MedGen C0027672, MeSH D009386, MONDO:0015356.

Allele frequency attached by ClinVar (database versions not stated): gnomAD 0.00001.
gnomAD v4.1: 1 of 1,612,850 alleles (0.000062%); highest among the groups gnomAD compares: Admixed American, 0.0017%; no homozygotes.

Submissions (4):

Labcorp Genetics (formerly Invitae), Labcorp
Classification: Likely benign for Tuberous sclerosis 2. Last evaluated: 2025-07-02. Review status: criteria provided, single submitter. Criteria: Invitae Variant Classification Sherloc (09022015). Collection method: clinical testing. Allele origin: germline.

GeneDx
Classification: Uncertain significance. Last evaluated: 2024-06-18. Review status: criteria provided, single submitter. Criteria: GeneDx Variant Classification Process June 2021. Collection method: clinical testing. Allele origin: germline. Affected: yes.
Comment: Not observed at significant frequency in large population cohorts (gnomAD); Has not been previously published as pathogenic or benign to our knowledge; In silico analysis suggests this variant may impact gene splicing. In the absence of RNA/functional studies, the actual effect of this sequence change is unknown.

All of Us Research Program, National Institutes of Health
Classification: Likely benign for Tuberous sclerosis syndrome. Last evaluated: 2024-04-16. Review status: criteria provided, single submitter. Criteria: ACMG Guidelines, 2015. Collection method: clinical testing. Allele origin: germline. Inheritance: Autosomal dominant inheritance. Observed: 1 variant allele, 1 heterozygote.
Comment: This study involves interpretation of variants in research participants for the purpose of population health screening. Participant phenotype was not available at the time of variant classification. Additional details can be found in publication PMID: 35346344, PMCID: PMC8962531

Ambry Genetics
Classification: Likely benign for Hereditary cancer-predisposing syndrome. Last evaluated: 2016-09-20. Review status: criteria provided, single submitter. Criteria: Ambry Variant Classification Scheme 2023. Collection method: clinical testing. Allele origin: germline.